The following is an entry in ClinVar:

ClinVar aggregate classification (germline): Benign (1 of 4 stars; one submission).

Conditions:
Sessile serrated polyposis cancer syndrome (SSPCS). Identifiers: Orphanet 157798, MedGen C4310714, MONDO:0014919, OMIM 617108.

Submission:

Myriad Genetics, Inc.
Classification: Benign for Sessile serrated polyposis cancer syndrome. Last evaluated: 2026-06-29. Review status: criteria provided, single submitter. Criteria: Myriad Autosomal Dominant, Autosomal Recessive and X-Linked Classification Criteria (2023). Collection method: clinical testing. Allele origin: unknown.
Comment: This variant is considered benign. This variant is a silent/synonymous amino acid change and it is not expected to impact splicing.

NM_017763.6(RNF43):c.153C>T (p.Ile51=)

Gene: RNF43 (ring finger protein 43; minus strand). Cytogenetic location: 17q22.
Variant type: single nucleotide variant.
Coding change: c.153C>T on transcript NM_017763.6 (MANE Select); coding-DNA position 153, C replaced by T.
Protein change: p.Ile51=; no amino-acid change (isoleucine 51 retained).
Molecular consequence: synonymous variant. On other transcripts: intron variant (1).
Genome position (GRCh38, 1-based): chr17:58,415,425, G>A on the plus strand (C>T on the coding strand, the complement: RNF43 is on the minus strand). VCF-style: chr17-58415425-G-A. GRCh37 (hg19) VCF-style: chr17-56492786-G-A.
Other names: c.153C>T, p.Ile51= (NM_001305544.3, NM_001438820.1, NM_001438821.1 and 1 more transcripts); c.-130+1592C>T (NM_001437987.1).
Identifiers: ClinVar variation 4875694 (VCV004875694.1).